The following is an entry in ClinVar:

ClinVar aggregate classification (germline): Uncertain significance (1 of 4 stars; one submission).

Conditions:
Inborn genetic diseases. Identifiers: MedGen C0950123, MeSH D030342.

Submission:

Ambry Genetics
Classification: Uncertain significance for Inborn genetic diseases. Last evaluated: 2025-03-06. Review status: criteria provided, single submitter. Criteria: Ambry Variant Classification Scheme 2023. Collection method: clinical testing. Allele origin: germline.
Comment: The p.N384K variant (also known as c.1152C>A), located in coding exon 3 of the MBD4 gene, results from a C to A substitution at nucleotide position 1152. The asparagine at codon 384 is replaced by lysine, an amino acid with similar properties. This amino acid position is conserved. In addition, this alteration is predicted to be tolerated by in silico analysis. Based on the available evidence, the clinical significance of this variant remains unclear.

NM_001276270.2(MBD4):c.1152C>A (p.Asn384Lys)

Gene: MBD4 (methyl-CpG binding domain 4, DNA glycosylase; minus strand). Cytogenetic location: 3q21.3.
Variant type: single nucleotide variant.
Coding change: c.1152C>A on transcript NM_001276270.2 (MANE Select); coding-DNA position 1152, C replaced by A.
Protein change: p.Asn384Lys; replaces asparagine 384 with lysine.
Molecular consequence: missense variant. On other transcripts: intron variant (1).
Genome position (GRCh38, 1-based): chr3:129,436,492, G>T on the plus strand (C>A on the coding strand, the complement: MBD4 is on the minus strand). VCF-style: chr3-129436492-G-T. GRCh37 (hg19) VCF-style: chr3-129155335-G-T.
Other names: c.1152C>A, p.Asn384Lys (NM_001276271.2, NM_001276272.2, NM_003925.3); c.247+1316C>A (NM_001276273.2); short protein forms N384K.
Identifiers: ClinVar variation 3870948 (VCV003870948.1).